The following is an entry in ClinVar:

NM_001080442.3(SLC38A8):c.323dup (p.Leu109fs)

Gene: SLC38A8 (solute carrier family 38 member 8; minus strand). Cytogenetic location: 16q23.3.
Variant type: Duplication.
Coding change: c.323dup on transcript NM_001080442.3 (MANE Select); coding-DNA position 323, one base duplicated (T; older notation c.323dupT).
Protein change: p.Leu109fs; shifts the reading frame from leucine 109.
Molecular consequence: frameshift variant.
Genome position (GRCh38, 1-based): chr16:84,036,767, A duplicated on the plus strand (T on the coding strand, the reverse complement: SLC38A8 is on the minus strand); the first of 2 consecutive A bases (chr16:84,036,767-84,036,768); duplicating either gives the same sequence. VCF-style (leftmost placement, unchanged base first): chr16-84036766-G-GA. GRCh37 (hg19) VCF-style: chr16-84070371-G-GA.
Other names: short protein forms L109fs.
Identifiers: ClinVar variation 2776024 (VCV002776024.3), dbSNP rs1335352747, ClinGen allele CA725018168.

ClinVar aggregate classification (germline): Pathogenic (1 of 4 stars; one submission).

Submission:

Labcorp Genetics (formerly Invitae), Labcorp
Classification: Pathogenic. Last evaluated: 2023-10-27. Review status: criteria provided, single submitter. Criteria: Invitae Variant Classification Sherloc (09022015). Collection method: clinical testing. Allele origin: germline.
Comment: This sequence change creates a premature translational stop signal (p.Leu109Profs*24) in the SLC38A8 gene. It is expected to result in an absent or disrupted protein product. Loss-of-function variants in SLC38A8 are known to be pathogenic (PMID: 24290379). This variant is not present in population databases (gnomAD no frequency). This variant has not been reported in the literature in individuals affected with SLC38A8-related conditions. For these reasons, this variant has been classified as Pathogenic.

Literature cited by the submitters: PubMed 24290379.